The following is an entry in ClinVar:

ClinVar aggregate classification (germline): Uncertain significance (1 of 4 stars; one submission).

Submission:

Labcorp Genetics (formerly Invitae), Labcorp
Classification: Uncertain significance. Last evaluated: 2022-10-17. Review status: criteria provided, single submitter. Criteria: Invitae Variant Classification Sherloc (09022015). Collection method: clinical testing. Allele origin: germline.
Comment: Advanced modeling of protein sequence and biophysical properties (such as structural, functional, and spatial information, amino acid conservation, physicochemical variation, residue mobility, and thermodynamic stability) performed at Invitae indicates that this missense variant is not expected to disrupt SLC25A12 protein function. In summary, the available evidence is currently insufficient to determine the role of this variant in disease. Therefore, it has been classified as a Variant of Uncertain Significance. ClinVar contains an entry for this variant (Variation ID: 1008781). This variant has not been reported in the literature in individuals affected with SLC25A12-related conditions. This variant is not present in population databases (gnomAD no frequency). This sequence change replaces alanine, which is neutral and non-polar, with proline, which is neutral and non-polar, at codon 296 of the SLC25A12 protein (p.Ala296Pro).

NM_003705.5(SLC25A12):c.886G>C (p.Ala296Pro)

Gene: SLC25A12 (solute carrier family 25 member 12; minus strand). Cytogenetic location: 2q31.1.
Variant type: single nucleotide variant.
Coding change: c.886G>C on transcript NM_003705.5 (MANE Select); coding-DNA position 886, G replaced by C.
Protein change: p.Ala296Pro; replaces alanine 296 with proline.
Molecular consequence: missense variant. On other transcripts: non-coding transcript variant (1).
Genome position (GRCh38, 1-based): chr2:171,826,842, C>G on the plus strand (G>C on the coding strand, the complement: SLC25A12 is on the minus strand). VCF-style: chr2-171826842-C-G. GRCh37 (hg19) VCF-style: chr2-172683352-C-G.
Other names: short protein forms A296P.
Identifiers: ClinVar variation 1008781 (VCV001008781.10), dbSNP rs1684310619, ClinGen allele CA349290702.